The following is an entry in ClinVar:

NM_005219.5(DIAPH1):c.1177G>A (p.Val393Ile)

Gene: DIAPH1 (diaphanous related formin 1; minus strand). Cytogenetic location: 5q31.3.
Variant type: single nucleotide variant.
Coding change: c.1177G>A on transcript NM_005219.5 (MANE Select); coding-DNA position 1177, G replaced by A.
Protein change: p.Val393Ile; replaces valine 393 with isoleucine.
Molecular consequence: missense variant.
Genome position (GRCh38, 1-based): chr5:141,577,578, C>T on the plus strand (G>A on the coding strand, the complement: DIAPH1 is on the minus strand). VCF-style: chr5-141577578-C-T. GRCh37 (hg19) VCF-style: chr5-140957145-C-T.
Other names: c.1150G>A, p.Val384Ile (NM_001079812.3); c.1177G>A, p.Val393Ile (NM_001314007.2); short protein forms V384I, V393I.
Identifiers: ClinVar variation 3754882 (VCV003754882.2).
Genomic context (GRCh38, chr5:141,577,578, plus strand): 5'-TGGAAAGGAAGTGTGGCTCTGCCTTTGAATCCTTCACTGTGTTTAAGAGAATCTGAAAGA[C>T]TTCATTAAAGTCAGTGGAAAAGGGAAATAGGCTAAGGAAAGCAAATATGCAGAAATTATG-3'
Protein context (NP_005210.3, residues 383-403): IRMEMDDFNE[Val393Ile]FQILLNTVKD

ClinVar aggregate classification (germline): Uncertain significance (1 of 4 stars; one submission).

Conditions:
Autosomal dominant nonsyndromic hearing loss 1. Also called: KONIGSMARK SYNDROME; DEAFNESS, AUTOSOMAL DOMINANT 1, WITH OR WITHOUT THROMBOCYTOPENIA. Identifiers: Orphanet 90635, MedGen C1852282, MONDO:0007424, OMIM 124900.
Progressive microcephaly-seizures-cortical blindness-developmental delay syndrome. Also called: Seizures, cortical blindness, and microcephaly syndrome. Identifiers: Orphanet 477814, MedGen C5567650, MONDO:0014714, OMIM 616632.

Submission:

Labcorp Genetics (formerly Invitae), Labcorp
Classification: Uncertain significance for Progressive microcephaly-seizures-cortical blindness-developmental delay syndrome; Autosomal dominant nonsyndromic hearing loss 1. Last evaluated: 2024-05-06. Review status: criteria provided, single submitter. Criteria: Invitae Variant Classification Sherloc (09022015). Collection method: clinical testing. Allele origin: germline.
Comment: This sequence change replaces valine, which is neutral and non-polar, with isoleucine, which is neutral and non-polar, at codon 393 of the DIAPH1 protein (p.Val393Ile). This variant is not present in population databases (gnomAD no frequency). This variant has not been reported in the literature in individuals affected with DIAPH1-related conditions. Algorithms developed to predict the effect of missense changes on protein structure and function output the following: SIFT: "Not Available"; PolyPhen-2: "Not Available"; Align-GVGD: "Not Available". The isoleucine amino acid residue is found in multiple mammalian species, which suggests that this missense change does not adversely affect protein function. Algorithms developed to predict the effect of sequence changes on RNA splicing suggest that this variant may create or strengthen a splice site. In summary, the available evidence is currently insufficient to determine the role of this variant in disease. Therefore, it has been classified as a Variant of Uncertain Significance.